The following is an entry in ClinVar:

ClinVar aggregate classification (germline): Benign/Likely benign. Review status: criteria provided, multiple submitters, no conflicts (2 of 4 stars). 2 submissions from 2 submitters: Benign (1); Likely benign (1). Last evaluated 2025-03-17.

Conditions:
Pheochromocytoma/paraganglioma syndrome 1. Also called: Paragangliomas 1; PARAGANGLIOMAS, FAMILIAL NONCHROMAFFIN, 1; PGL 1; Paragangliomas familial 1; SDHD-Related Hereditary Paraganglioma-Pheochromocytoma Syndrome; PARAGANGLIOMATA. Identifiers: Orphanet 29072, MedGen C3494181, MONDO:0008192, OMIM 168000.
Carney-Stratakis syndrome. Also called: PARAGANGLIOMA AND GASTROINTESTINAL STROMAL TUMOR. Identifiers: Orphanet 97286, MedGen C1847319, MONDO:0011740, OMIM 606864.
Pheochromocytoma. Also called: MAX-Related Hereditary Paraganglioma-Pheochromocytoma Syndrome. Identifiers: Orphanet 29072, MedGen C0031511, MONDO:0008233, OMIM 171300, HP:0002666.
Paragangliomas with sensorineural hearing loss. Identifiers: MedGen C1868633.
Cowden syndrome 3 (CWS3). Identifiers: Orphanet 201, MedGen CN166604, MONDO:0014045.

Submissions (2):

Myriad Genetics, Inc.
Classification: Benign for Pheochromocytoma/paraganglioma syndrome 1. Last evaluated: 2025-03-17. Review status: criteria provided, single submitter. Criteria: Myriad Autosomal Dominant, Autosomal Recessive and X-Linked Classification Criteria (2023). Collection method: clinical testing. Allele origin: unknown.
Comment: This variant is considered benign. This variant is a silent/synonymous amino acid change and it is not expected to impact splicing.

Labcorp Genetics (formerly Invitae), Labcorp
Classification: Likely benign for Carney-Stratakis syndrome; Paragangliomas with sensorineural hearing loss; Pheochromocytoma; Cowden syndrome 3. Last evaluated: 2019-08-17. Review status: criteria provided, single submitter. Criteria: Invitae Variant Classification Sherloc (09022015). Collection method: clinical testing. Allele origin: germline.

NM_003002.4(SDHD):c.288T>C (p.Ala96=)

Gene: SDHD (succinate dehydrogenase complex subunit D; plus strand). Cytogenetic location: 11q23.1.
Variant type: single nucleotide variant.
Coding change: c.288T>C on transcript NM_003002.4 (MANE Select); coding-DNA position 288, T replaced by C.
Protein change: p.Ala96=; no amino-acid change (alanine 96 retained).
Molecular consequence: synonymous variant. On other transcripts: non-coding transcript variant (1), intron variant (1).
Genome position (GRCh38, 1-based): chr11:112,088,985, T>C. VCF-style: chr11-112088985-T-C. GRCh37 (hg19) VCF-style: chr11-111959709-T-C.
Other names: c.171T>C, p.Ala57= (NM_001276504.2); c.288T>C, p.Ala96= (NM_001276506.2); c.169+1012T>C (NM_001276503.2).
Identifiers: ClinVar variation 1103074 (VCV001103074.11), dbSNP rs2135269735, ClinGen allele CA476790509.